The following is an entry in ClinVar:

ClinVar aggregate classification (germline): Uncertain significance (1 of 4 stars; one submission).

Submission:

GeneDx
Classification: Uncertain significance. Last evaluated: 2025-05-27. Review status: criteria provided, single submitter. Criteria: GeneDx Variant Classification Process June 2021. Collection method: clinical testing. Allele origin: germline. Affected: yes.
Comment: Not observed at significant frequency in large population cohorts (gnomAD); In silico analysis supports a deleterious effect on splicing; Has not been previously published as pathogenic or benign to our knowledge

NM_001375524.1(TRRAP):c.9240A>G (p.Lys3080=)

Gene: TRRAP (transformation/transcription domain associated protein; plus strand). Cytogenetic location: 7q22.1.
Variant type: single nucleotide variant.
Coding change: c.9240A>G on transcript NM_001375524.1 (MANE Select); coding-DNA position 9240, A replaced by G.
Protein change: p.Lys3080=; no amino-acid change (lysine 3080 retained).
Molecular consequence: synonymous variant.
Genome position (GRCh38, 1-based): chr7:98,984,310, A>G. VCF-style: chr7-98984310-A-G. GRCh37 (hg19) VCF-style: chr7-98581933-A-G.
Other names: c.9252A>G, p.Lys3084= (NM_001244580.2); c.9165A>G, p.Lys3055= (NM_003496.4).
Identifiers: ClinVar variation 4532630 (VCV004532630.1).